The following is an entry in ClinVar:

ClinVar aggregate classification (germline): Likely benign. Review status: criteria provided, multiple submitters, no conflicts (2 of 4 stars). 3 submissions from 3 submitters: Likely benign (3). Last evaluated 2026-09-09.

Conditions:
FLNC-related disorder. Also called: FLNC-related disorders; FLNC-related condition.
Distal myopathy with posterior leg and anterior hand involvement. Also called: WILLIAMS DISTAL MYOPATHY. Identifiers: Orphanet 63273, MedGen C3279722, MONDO:0013550, OMIM 614065.
Hypertrophic cardiomyopathy 26. Also called: Cardiomyopathy, familial hypertrophic, 26. Identifiers: Orphanet 75249, MedGen C4310749, MONDO:0014883, OMIM 617047.
Myofibrillar myopathy 5. Also called: Filaminopathy (type); FILAMINOPATHY, AUTOSOMAL DOMINANT. Identifiers: Orphanet 171445, MedGen C1836050, MONDO:0012289, OMIM 609524.
Cardiovascular phenotype. Identifiers: MedGen CN230736.

Allele frequency attached by ClinVar (database versions not stated): ExAC 0.00002; gnomAD exomes 0.00002 and 0.00003; gnomAD 0.00003; TOPMed 0.00005.
gnomAD v4.1: 44 of 1,613,916 alleles (0.0027%); highest among the groups gnomAD compares: Non-Finnish European, 0.0033%; no homozygotes.

Submissions (3):

PreventionGenetics, part of Exact Sciences
Classification: Likely benign for FLNC-related condition. Last evaluated: 2026-09-09. Review status: criteria provided, single submitter. Criteria: ACMG Guidelines, 2015. Collection method: clinical testing. Allele origin: germline.
Comment: This variant is classified as likely benign based on ACMG/AMP sequence variant interpretation guidelines (Richards et al. 2015 PMID: 25741868, with internal and published modifications).

Labcorp Genetics (formerly Invitae), Labcorp
Classification: Likely benign for Distal myopathy with posterior leg and anterior hand involvement; Myofibrillar myopathy 5; Hypertrophic cardiomyopathy 26. Last evaluated: 2026-01-19. Review status: criteria provided, single submitter. Criteria: Invitae Variant Classification Sherloc (09022015). Collection method: clinical testing. Allele origin: germline.

Ambry Genetics
Classification: Likely benign for Cardiovascular phenotype. Last evaluated: 2021-12-07. Review status: criteria provided, single submitter. Criteria: Ambry Variant Classification Scheme 2023. Collection method: clinical testing. Allele origin: germline.

NM_001458.5(FLNC):c.1437C>T (p.Ala479=)

Gene: FLNC (filamin C; plus strand). Cytogenetic location: 7q32.1.
Variant type: single nucleotide variant.
Coding change: c.1437C>T on transcript NM_001458.5 (MANE Select); coding-DNA position 1437, C replaced by T.
Protein change: p.Ala479=; no amino-acid change (alanine 479 retained).
Molecular consequence: synonymous variant.
Genome position (GRCh38, 1-based): chr7:128,840,048, C>T. VCF-style: chr7-128840048-C-T. GRCh37 (hg19) VCF-style: chr7-128480102-C-T.
Other names: c.1437C>T, p.Ala479= (NM_001127487.2).
Identifiers: ClinVar variation 1116115 (VCV001116115.12), dbSNP rs760412891, ClinGen allele CA4474349.